The following is an entry in ClinVar:

ClinVar aggregate classification (germline): Uncertain significance (1 of 4 stars; one submission).

Conditions:
Eichsfeld type congenital muscular dystrophy (CMYO3). Also called: MYOPATHY, SEPN1-RELATED; SELENON-related myopathy; Congenital myopathy 3 with rigid spine; Rigid spine muscular dystrophy 1. Identifiers: MedGen C0410180, MONDO:0100100, OMIM 602771.

Allele frequency attached by ClinVar (database versions not stated): gnomAD exomes 0.00001 and 0.00003.

Submission:

Labcorp Genetics (formerly Invitae), Labcorp
Classification: Uncertain significance for Eichsfeld type congenital muscular dystrophy. Last evaluated: 2021-09-05. Review status: criteria provided, single submitter. Criteria: Invitae Variant Classification Sherloc (09022015). Collection method: clinical testing. Allele origin: germline.
Comment: In summary, the available evidence is currently insufficient to determine the role of this variant in disease. Therefore, it has been classified as a Variant of Uncertain Significance. Algorithms developed to predict the effect of sequence changes on RNA splicing suggest that this variant may create or strengthen a splice site. This variant has not been reported in the literature in individuals affected with SELENON-related conditions. This variant is not present in population databases (ExAC no frequency). This sequence change falls in intron 9 of the SELENON gene. It does not directly change the encoded amino acid sequence of the SELENON protein.

NM_206926.2(SELENON):c.1179+15_1179+25dup

Gene: SELENON (selenoprotein N; plus strand). Cytogenetic location: 1p36.11.
Variant type: Duplication.
Coding change: c.1179+15_1179+25dup on transcript NM_206926.2 (MANE Select); bases 15 to 25 of the intron after coding-DNA position 1179, 11 bases duplicated (GGGTGAAGGCC).
Molecular consequence: intron variant.
Genome position (GRCh38, 1-based): chr1:25,811,894-25,811,904, GGGTGAAGGCC duplicated. VCF-style (leftmost placement, unchanged base first): chr1-25811893-G-GGGGTGAAGGCC. GRCh37 (hg19) VCF-style: chr1-26138384-G-GGGGTGAAGGCC.
Other names: c.1281+15_1281+25dup (NM_020451.3).
Identifiers: ClinVar variation 1361178 (VCV001361178.9), dbSNP rs1402844279, ClinGen allele CA521904818.